The following is an entry in ClinVar:

ClinVar aggregate classification (germline): Uncertain significance (1 of 4 stars; one submission).

Conditions:
Early-infantile DEE. Also called: Early infantile epileptic encephalopathy; Early infantile epileptic encephalopathy with suppression bursts; Ohtahara syndrome. Identifiers: Orphanet 1934, MedGen C0393706, MONDO:0800491.

Allele frequency attached by ClinVar (database versions not stated): gnomAD exomes 0.00001; TOPMed 0.00006; gnomAD 0.00007; ExAC 0.00001.
gnomAD v4.1: 14 of 1,605,124 alleles (0.00087%); highest among the groups gnomAD compares: African/African-American, 0.019%; no homozygotes.

Submission:

Labcorp Genetics (formerly Invitae), Labcorp
Classification: Uncertain significance for Early-infantile DEE. Last evaluated: 2026-01-19. Review status: criteria provided, single submitter. Criteria: Invitae Variant Classification Sherloc (09022015). Collection method: clinical testing. Allele origin: germline.
Comment: This sequence change replaces serine, which is neutral and polar, with threonine, which is neutral and polar, at codon 694 of the KCNQ2 protein (p.Ser694Thr). This variant is present in population databases (rs769558746, gnomAD 0.02%). This variant has not been reported in the literature in individuals affected with KCNQ2-related conditions. ClinVar contains an entry for this variant (Variation ID: 405206). Invitae Evidence Modeling of protein sequence and biophysical properties (such as structural, functional, and spatial information, amino acid conservation, physicochemical variation, residue mobility, and thermodynamic stability) indicates that this missense variant is expected to disrupt KCNQ2 protein function with a positive predictive value of 95%. In summary, the available evidence is currently insufficient to determine the role of this variant in disease. Therefore, it has been classified as a Variant of Uncertain Significance.

NM_172107.4(KCNQ2):c.2081G>C (p.Ser694Thr)

Gene: KCNQ2 (potassium voltage-gated channel subfamily Q member 2; minus strand). Cytogenetic location: 20q13.33.
Variant type: single nucleotide variant.
Coding change: c.2081G>C on transcript NM_172107.4 (MANE Select); coding-DNA position 2081, G replaced by C.
Protein change: p.Ser694Thr; replaces serine 694 with threonine.
Molecular consequence: missense variant.
Genome position (GRCh38, 1-based): chr20:63,407,182, C>G on the plus strand (G>C on the coding strand, the complement: KCNQ2 is on the minus strand). VCF-style: chr20-63407182-C-G. GRCh37 (hg19) VCF-style: chr20-62038535-C-G.
Other names: c.1997G>C, p.Ser666Thr (NM_004518.6); c.2027G>C, p.Ser676Thr (NM_172106.3); c.1988G>C, p.Ser663Thr (NM_172108.5); short protein forms S694T, S663T, S676T, S666T.
Identifiers: ClinVar variation 405206 (VCV000405206.9), dbSNP rs769558746, ClinGen allele CA9958157.